The following is an entry in ClinVar:

NM_000540.3(RYR1):c.6561C>A (p.Asn2187Lys)

Gene: RYR1 (ryanodine receptor 1; plus strand). Cytogenetic location: 19q13.2.
Variant type: single nucleotide variant.
Coding change: c.6561C>A on transcript NM_000540.3 (MANE Select); coding-DNA position 6561, C replaced by A.
Protein change: p.Asn2187Lys; replaces asparagine 2187 with lysine.
Molecular consequence: missense variant.
Genome position (GRCh38, 1-based): chr19:38,496,227, C>A. VCF-style: chr19-38496227-C-A. GRCh37 (hg19) VCF-style: chr19-38986867-C-A.
Other names: c.6561C>A, p.Asn2187Lys (NM_001042723.2); short protein forms N2187K.
Identifiers: ClinVar variation 3385429 (VCV003385429.2).
Genomic context (GRCh38, chr19:38,496,227, plus strand): 5'-CTCCGGACCTGGGCCCCTGGTGACCCCGCACACTCTGCCCGTGCACAGGAACATCATGAA[C>A]AACAAAGTCTTCTACCAACACCCGAACCTGATGAGGGCGCTGGGCATGCACGAGACGGTC-3'
Protein context (NP_000531.2, residues 2177-2197): LMIQSIGNIM[Asn2187Lys]NKVFYQHPNL

ClinVar aggregate classification (germline): Uncertain significance. Review status: criteria provided, multiple submitters, no conflicts (2 of 4 stars). 2 submissions from 2 submitters: Uncertain significance (2). Last evaluated 2024-05-14.

Conditions:
Malignant hyperthermia, susceptibility to, 1 (MHS1). Also called: Anesthesia related hyperthermia; Malignant hyperpyrexia; Fulminating hyperpyrexia; Pharmacogenic myopathy; Malignant hyperthermia suceptibility 1; RYR1-Related Malignant Hyperthermia Susceptibility. Identifiers: Orphanet 423, MedGen C2930980, MONDO:0007783, OMIM 145600.

Submissions (2):

All of Us Research Program, National Institutes of Health
Classification: Uncertain significance for Malignant hyperthermia, susceptibility to, 1. Last evaluated: 2024-05-14. Review status: criteria provided, single submitter. Criteria: ACMG Guidelines, 2015. Collection method: clinical testing. Allele origin: germline. Inheritance: Autosomal dominant inheritance. Observed: 1 variant allele, 1 heterozygote.
Comment: This missense variant replaces asparagine with lysine at codon 2187 of the RYR1 protein. Computational prediction is inconclusive regarding the impact of this variant on protein structure and function. To our knowledge, functional studies have not been reported for this variant. This variant has not been reported in individuals affected with RYR1-related disorders in the literature. This variant has not been identified in the general population by the Genome Aggregation Database (gnomAD). The available evidence is insufficient to determine the role of this variant in disease conclusively. Therefore, this variant is classified as a Variant of Uncertain Significance.

This study involves interpretation of variants in research participants for the purpose of population health screening. Participant phenotype was not available at the time of variant classification. Additional details can be found in publication PMID: 35346344, PMCID: PMC8962531

Color Diagnostics, LLC DBA Color Health
Classification: Uncertain significance for Malignant hyperthermia, susceptibility to, 1. Last evaluated: 2024-05-06. Review status: criteria provided, single submitter. Criteria: ACMG Guidelines, 2015. Collection method: clinical testing. Allele origin: germline.
Comment: This missense variant replaces asparagine with lysine at codon 2187 of the RYR1 protein. Computational prediction is inconclusive regarding the impact of this variant on protein structure and function. To our knowledge, functional studies have not been reported for this variant. This variant has not been reported in individuals affected with RYR1-related disorders in the literature. This variant has not been identified in the general population by the Genome Aggregation Database (gnomAD). The available evidence is insufficient to determine the role of this variant in disease conclusively. Therefore, this variant is classified as a Variant of Uncertain Significance.